The following is an entry in ClinVar:

ClinVar aggregate classification (germline): Uncertain significance (1 of 4 stars; one submission).

Conditions:
Charcot-Marie-Tooth disease dominant intermediate E. Also called: CHARCOT-MARIE-TOOTH NEUROPATHY WITH FOCAL SEGMENTAL GLOMERULONEPHRITIS. Identifiers: Orphanet 93114, MedGen C4302667, MONDO:0013758, OMIM 614455.
Focal segmental glomerulosclerosis 5 (FSGS5). Identifiers: Orphanet 656, MedGen C2750475, MONDO:0013191, OMIM 613237.

Allele frequency attached by ClinVar (database versions not stated): gnomAD exomes below 0.00001.
gnomAD v4.1: 2 of 1,151,308 alleles (0.00017%); highest among the groups gnomAD compares: Non-Finnish European, 0.00022%; no homozygotes.

Submission:

Labcorp Genetics (formerly Invitae), Labcorp
Classification: Uncertain significance for Charcot-Marie-Tooth disease dominant intermediate E; Focal segmental glomerulosclerosis 5. Last evaluated: 2020-12-17. Review status: criteria provided, single submitter. Criteria: Invitae Variant Classification Sherloc (09022015). Collection method: clinical testing. Allele origin: germline.
Comment: The frequency data for this variant in the population databases is considered unreliable, as metrics indicate insufficient coverage at this position in the ExAC database. This sequence change replaces serine with cysteine at codon 433 of the INF2 protein (p.Ser433Cys). The serine residue is weakly conserved and there is a moderate physicochemical difference between serine and cysteine. This variant has not been reported in the literature in individuals with INF2-related conditions. Algorithms developed to predict the effect of missense changes on protein structure and function are either unavailable or do not agree on the potential impact of this missense change (SIFT: "Tolerated"; PolyPhen-2: "Not Available"; Align-GVGD: "Class C0"). In summary, the available evidence is currently insufficient to determine the role of this variant in disease. Therefore, it has been classified as a Variant of Uncertain Significance.

NM_022489.4(INF2):c.1298C>G (p.Ser433Cys)

Gene: INF2 (inverted formin 2; plus strand). Cytogenetic location: 14q32.33.
Variant type: single nucleotide variant.
Coding change: c.1298C>G on transcript NM_022489.4 (MANE Select); coding-DNA position 1298, C replaced by G.
Protein change: p.Ser433Cys; replaces serine 433 with cysteine.
Molecular consequence: missense variant.
Genome position (GRCh38, 1-based): chr14:104,707,565, C>G. VCF-style: chr14-104707565-C-G. GRCh37 (hg19) VCF-style: chr14-105173902-C-G.
Other names: c.1298C>G, p.Ser433Cys (NM_001031714.4); short protein forms S433C.
Identifiers: ClinVar variation 1429928 (VCV001429928.8), dbSNP rs2140668383, ClinGen allele CA391216481.